The following is an entry in ClinVar:

NM_001267550.2(TTN):c.57749A>G (p.Gln19250Arg)

Genes: TTN (titin; minus strand), TTN-AS1 (TTN antisense RNA 1; plus strand). Cytogenetic location: 2q31.2.
Variant type: single nucleotide variant.
Coding change: c.57749A>G on transcript NM_001267550.2 (MANE Select); coding-DNA position 57749, A replaced by G.
Protein change: p.Gln19250Arg; replaces glutamine 19250 with arginine.
Molecular consequence: missense variant.
Genome position (GRCh38, 1-based): chr2:178,595,605, T>C on the plus strand (A>G on the coding strand, the complement: TTN is on the minus strand). VCF-style: chr2-178595605-T-C. GRCh37 (hg19) VCF-style: chr2-179460332-T-C.
Other names: c.52826A>G, p.Gln17609Arg (NM_001256850.1); c.30554A>G, p.Gln10185Arg (NM_003319.4); c.50045A>G, p.Gln16682Arg (NM_133378.4); c.30929A>G, p.Gln10310Arg (NM_133432.3); c.31130A>G, p.Gln10377Arg (NM_133437.4); short protein forms Q10185R, Q10310R, Q10377R, Q16682R, Q17609R, Q19250R.
Identifiers: ClinVar variation 2627257 (VCV002627257.1), dbSNP rs1370722859, ClinGen allele CA349514838.

ClinVar aggregate classification (germline): Uncertain significance (1 of 4 stars; one submission).

Submission:

Women's Health and Genetics/Laboratory Corporation of America, LabCorp
Classification: Uncertain significance. Last evaluated: 2023-09-15. Review status: criteria provided, single submitter. Criteria: LabCorp Variant Classification Summary - May 2015. Collection method: clinical testing. Allele origin: germline.
Comment: Variant summary: TTN c.50045A>G (p.Gln16682Arg) results in a conservative amino acid change located in the A-band of the encoded protein sequence. Four of four in-silico tools predict a benign effect of the variant on protein function. The variant was absent in 218542 control chromosomes. The available data on variant occurrences in the general population are insufficient to allow any conclusion about variant significance. To our knowledge, no occurrence of c.50045A>G in individuals affected with Limb-Girdle Muscular Dystrophy, Type 2J and no experimental evidence demonstrating its impact on protein function have been reported. No submitters have cited clinical-significance assessments for this variant to ClinVar after 2014. Based on the evidence outlined above, the variant was classified as uncertain significance.